The following is an entry in ClinVar:

ClinVar aggregate classification (germline): Uncertain significance (1 of 4 stars; one submission).

Conditions:
KBG syndrome (KBGS). Also called: ANKRD11-Related KBG Syndrome. Identifiers: Orphanet 2332, MedGen C0220687, MONDO:0007846, OMIM 148050.

Allele frequency attached by ClinVar (database versions not stated): gnomAD 0.00003; TOPMed 0.00004; ExAC 0.00009; 1000 Genomes Project 30x 0.00016; 1000 Genomes Project 0.00020.
gnomAD v4.1: 26 of 1,561,310 alleles (0.0017%); highest among the groups gnomAD compares: Admixed American, 0.013%; no homozygotes.

Submission:

Labcorp Genetics (formerly Invitae), Labcorp
Classification: Uncertain significance for KBG syndrome. Last evaluated: 2025-11-05. Review status: criteria provided, single submitter. Criteria: Invitae Variant Classification Sherloc (09022015). Collection method: clinical testing. Allele origin: germline.
Comment: This variant occurs in a non-coding region of the ANKRD11 gene. It does not change the encoded amino acid sequence of the ANKRD11 protein. This variant is present in population databases (rs538349978, gnomAD 0.03%). This variant has not been reported in the literature in individuals affected with ANKRD11-related conditions. ClinVar contains an entry for this variant (Variation ID: 2178626). In summary, the available evidence is currently insufficient to determine the role of this variant in disease. Therefore, it has been classified as a Variant of Uncertain Significance.

NM_013275.6(ANKRD11):c.-54G>A

Genes: ANKRD11 (ankyrin repeat domain 11; minus strand), LOC128462377 (ankyrin repeat domain 11 upstream open reading frame; minus strand). Cytogenetic location: 16q24.3.
Variant type: single nucleotide variant.
Coding change: c.-54G>A on transcript NM_013275.6 (MANE Select); 54 bases upstream of the start codon, G replaced by A.
Molecular consequence: 5 prime UTR variant. On other transcripts: non-coding transcript variant (1).
Genome position (GRCh38, 1-based): chr16:89,317,073, C>T on the plus strand (G>A on the coding strand, the complement: ANKRD11 is on the minus strand). VCF-style: chr16-89317073-C-T. GRCh37 (hg19) VCF-style: chr16-89383481-C-T.
Other names: c.-54G>A (NM_001256182.2, NM_001256183.2).
Identifiers: ClinVar variation 2178626 (VCV002178626.4), dbSNP rs538349978, ClinGen allele CA8243308.